The following is an entry in ClinVar:

ClinVar aggregate classification (germline): Uncertain significance. Review status: criteria provided, multiple submitters, no conflicts (2 of 4 stars). 2 submissions from 2 submitters: Uncertain significance (2). Last evaluated 2026-05-21.

Conditions:
Inborn genetic diseases. Identifiers: MedGen C0950123, MeSH D030342.
Microcephaly, epilepsy, and diabetes syndrome. Identifiers: Orphanet 306558, MedGen C3280240, MONDO:0100328.

Allele frequency attached by ClinVar (database versions not stated): gnomAD 0.00002; gnomAD exomes 0.00001 and 0.00003; TOPMed below 0.00001; ExAC 0.00001.
gnomAD v4.1: 44 of 1,570,070 alleles (0.0028%); highest among the groups gnomAD compares: Non-Finnish European, 0.0039%; no homozygotes.

Submissions (2):

Ambry Genetics
Classification: Uncertain significance for Inborn genetic diseases. Last evaluated: 2026-05-21. Review status: criteria provided, single submitter. Criteria: Ambry Variant Classification Scheme 2023. Collection method: clinical testing. Allele origin: germline.
Comment: The c.215C>T (p.S72L) alteration is located in exon 3 (coding exon 3) of the IER3IP1 gene. This alteration results from a C to T substitution at nucleotide position 215, causing the serine (S) at amino acid position 72 to be replaced by a leucine (L). Based on data from gnomAD, the T allele has an overall frequency of 0.002% (5/280346) total alleles studied. The highest observed frequency was 0.014% (1/7166) of Other alleles. Based on insufficient or conflicting evidence, the clinical significance of this alteration remains unclear.

Labcorp Genetics (formerly Invitae), Labcorp
Classification: Uncertain significance for Microcephaly, epilepsy, and diabetes syndrome. Last evaluated: 2024-02-17. Review status: criteria provided, single submitter. Criteria: Invitae Variant Classification Sherloc (09022015). Collection method: clinical testing. Allele origin: germline.
Comment: This sequence change replaces serine, which is neutral and polar, with leucine, which is neutral and non-polar, at codon 72 of the IER3IP1 protein (p.Ser72Leu). This variant is present in population databases (rs200201845, gnomAD 0.003%). This variant has not been reported in the literature in individuals affected with IER3IP1-related conditions. ClinVar contains an entry for this variant (Variation ID: 539835). An algorithm developed to predict the effect of missense changes on protein structure and function (PolyPhen-2) suggests that this variant¬†is likely to be tolerated. In summary, the available evidence is currently insufficient to determine the role of this variant in disease. Therefore, it has been classified as a Variant of Uncertain Significance.

NM_016097.5(IER3IP1):c.215C>T (p.Ser72Leu)

Gene: IER3IP1 (immediate early response 3 interacting protein 1; minus strand). Cytogenetic location: 18q21.1.
Variant type: single nucleotide variant.
Coding change: c.215C>T on transcript NM_016097.5 (MANE Select); coding-DNA position 215, C replaced by T.
Protein change: p.Ser72Leu; replaces serine 72 with leucine.
Molecular consequence: missense variant.
Genome position (GRCh38, 1-based): chr18:47,156,211, G>A on the plus strand (C>T on the coding strand, the complement: IER3IP1 is on the minus strand). VCF-style: chr18-47156211-G-A. GRCh37 (hg19) VCF-style: chr18-44682582-G-A.
Other names: c.215C>T (NM_016097.3); short protein forms S72L.
Identifiers: ClinVar variation 539835 (VCV000539835.6), dbSNP rs200201845, ClinGen allele CA8955689.
Genomic context (GRCh38, chr18:47,156,211, plus strand): 5'-TGAGTCTCCATTTTCTCCACTGATATTCATCCAAATAATAAAAGTAACACAATTGCAATT[G>A]AGTTTACTATTATCAATGGCACTGTAAAGAGAAAAAAAAAAGTTTGTTACTATAAAGAAA-3'
Protein context (NP_057181.1, residues 62-82): VMRVPLIIVN[Ser72Leu]IAIVLLLLFG